The following is an entry in ClinVar:

ClinVar aggregate classification (germline): Conflicting classifications of pathogenicity. Review status: criteria provided, conflicting classifications (1 of 4 stars). 10 submissions from 9 submitters: Uncertain significance (2); Likely benign (8). Last evaluated 2026-03-01.

Conditions:
DYNC1H1-related disorder. Also called: DYNC1H1-related condition; DYNC1H1-related disorders. Identifiers: MedGen CN381529.
Autosomal dominant cerebellar ataxia. Also called: Spinocerebellar Ataxia, Dominant. Identifiers: Orphanet 99, MedGen C4087347, MONDO:0020380.
Inborn genetic diseases. Identifiers: MedGen C0950123, MeSH D030342.
Charcot-Marie-Tooth disease. Also called: Charcot-Marie-Tooth Neuropathy; Charcot-Marie-Tooth Hereditary Neuropathy. Identifiers: Orphanet 166, MedGen C0007959, MONDO:0015626.
Charcot-Marie-Tooth disease axonal type 2O. Also called: Charcot-Marie-Tooth disease, axonal, type 20; Charcot-Marie-Tooth Neuropathy Type 2O; CHARCOT-MARIE-TOOTH NEUROPATHY, AXONAL, TYPE 2O; CHARCOT-MARIE-TOOTH DISEASE, AXONAL, AUTOSOMAL DOMINANT, TYPE 2O. Identifiers: Orphanet 284232, MedGen C3280220, MONDO:0013644, OMIM 614228.

Allele frequency attached by ClinVar (database versions not stated): ESP Exome Variant Server 0.00008; TOPMed 0.00013; gnomAD 0.00014 and 0.00015; gnomAD exomes 0.00017 and 0.00021; ExAC 0.00022.
gnomAD v4.1: 276 of 1,613,896 alleles (0.017%); highest among the groups gnomAD compares: Middle Eastern, 0.26%; 2 homozygotes.

Submissions (10):

CeGaT Center for Human Genetics Tuebingen
Classification: Likely benign. Last evaluated: 2026-03-01. Review status: criteria provided, single submitter. Criteria: CeGaT Center For Human Genetics Tuebingen Variant Classification Criteria Version 2. Collection method: clinical testing. Allele origin: germline. Affected: yes. Observed: 4 variant alleles.
Comment: DYNC1H1: BP4

Labcorp Genetics (formerly Invitae), Labcorp
Classification: Likely benign for Charcot-Marie-Tooth disease axonal type 2O. Last evaluated: 2026-01-12. Review status: criteria provided, single submitter. Criteria: Invitae Variant Classification Sherloc (09022015). Collection method: clinical testing. Allele origin: germline.

PreventionGenetics, part of Exact Sciences
Classification: Likely benign for DYNC1H1-related condition. Last evaluated: 2025-05-29. Review status: criteria provided, single submitter. Criteria: ACMG Guidelines, 2015. Collection method: clinical testing. Allele origin: germline.
Comment: This variant is classified as likely benign based on ACMG/AMP sequence variant interpretation guidelines (Richards et al. 2015 PMID: 25741868, with internal and published modifications).

Blueprint Genetics
Classification: Likely benign. Last evaluated: 2024-11-27. Review status: criteria provided, single submitter. Criteria: ACMG Guidelines, 2015. Collection method: clinical testing. Allele origin: germline.

GeneDx
Classification: Likely benign. Last evaluated: 2020-09-16. Review status: criteria provided, single submitter. Criteria: GeneDx Variant Classification Process June 2021. Collection method: clinical testing. Allele origin: germline. Affected: yes.

Ambry Genetics
Classification: Likely benign for Inborn genetic diseases. Last evaluated: 2019-10-15. Review status: criteria provided, single submitter. Criteria: Ambry Variant Classification Scheme 2023. Collection method: clinical testing. Allele origin: germline.

Illumina Laboratory Services, Illumina
Classification: Uncertain significance for Charcot-Marie-Tooth disease axonal type 2O. Last evaluated: 2018-01-13. Review status: criteria provided, single submitter. Criteria: ICSL Variant Classification Criteria 13 December 2019. Collection method: clinical testing. Allele origin: germline.

Illumina Laboratory Services, Illumina
Classification: Uncertain significance for Spinocerebellar Ataxia, Dominant. Last evaluated: 2018-01-13. Review status: criteria provided, single submitter. Criteria: ICSL Variant Classification Criteria 13 December 2019. Collection method: clinical testing. Allele origin: germline.

Genetic Services Laboratory, University of Chicago
Classification: Likely benign for AllHighlyPenetrant. Last evaluated: 2013-09-05. Review status: criteria provided, single submitter. Criteria: ACMG Guidelines, 2007. Collection method: clinical testing. Allele origin: germline. Inheritance: Autosomal dominant inheritance.

Molecular Genetics Laboratory, London Health Sciences Centre
Classification: Likely benign for Charcot-Marie-Tooth disease. Review status: criteria provided, single submitter. Criteria: ACMG Guidelines, 2015. Collection method: clinical testing. Allele origin: germline. Affected: yes.

NM_001376.5(DYNC1H1):c.12102+6G>A

Gene: DYNC1H1 (dynein cytoplasmic 1 heavy chain 1; plus strand). Cytogenetic location: 14q32.31.
Variant type: single nucleotide variant.
Coding change: c.12102+6G>A on transcript NM_001376.5 (MANE Select); 6 bases into the intron after coding-DNA position 12102, G replaced by A.
Molecular consequence: intron variant.
Genome position (GRCh38, 1-based): chr14:102,041,740, G>A. VCF-style: chr14-102041740-G-A. GRCh37 (hg19) VCF-style: chr14-102508077-G-A.
Identifiers: ClinVar variation 128923 (VCV000128923.49), dbSNP rs377669980, ClinGen allele CA152623.
Genomic context (GRCh38, chr14:102,041,740, plus strand): 5'-TTTCATGTCCATCATGGAGCAGCCGCTCGACCTGACCCACATTGTGGGCACAGAGGTAAT[G>A]TCCTGGTACAGCCCGGGCTTCCCACGAGACTCCATGCCCACCTCCCCAGCCACAGGTGGC-3'